The following is an entry in ClinVar:

ClinVar aggregate classification (germline): Likely benign (0 of 4 stars; one submission).

Conditions:
TUB-related disorder. Also called: TUB-related condition.

Allele frequency attached by ClinVar (database versions not stated): gnomAD exomes 0.00002; gnomAD 0.00018; TOPMed 0.00009.
gnomAD v4.1: 39 of 1,542,946 alleles (0.0025%); highest among the groups gnomAD compares: Admixed American, 0.07%; no homozygotes.

Submission:

PreventionGenetics, part of Exact Sciences
Classification: Likely benign for TUB-related condition. Last evaluated: 2021-04-14. Review status: no assertion criteria provided. Collection method: clinical testing. Allele origin: germline.
Comment: This variant is classified as likely benign based on ACMG/AMP sequence variant interpretation guidelines (Richards et al. 2015 PMID: 25741868, with internal and published modifications).

NM_177972.3(TUB):c.38+6C>T

Gene: TUB (TUB bipartite transcription factor; plus strand). Cytogenetic location: 11p15.4.
Variant type: single nucleotide variant.
Coding change: c.38+6C>T on transcript NM_177972.3 (MANE Select); 6 bases into the intron after coding-DNA position 38, C replaced by T.
Molecular consequence: intron variant.
Genome position (GRCh38, 1-based): chr11:8,081,554, C>T. VCF-style: chr11-8081554-C-T. GRCh37 (hg19) VCF-style: chr11-8103101-C-T.
Other names: c.204-8056C>T (NM_003320.5).
Identifiers: ClinVar variation 3060522 (VCV003060522.2), dbSNP rs1439356965, ClinGen allele CA597320729.